The following is an entry in ClinVar:

NM_006946.4(SPTBN2):c.2456_2457delinsAA (p.Arg819Gln)

Gene: SPTBN2 (spectrin beta, non-erythrocytic 2; minus strand). Cytogenetic location: 11q13.2.
Variant type: Indel.
Coding change: c.2456_2457delinsAA on transcript NM_006946.4 (MANE Select); coding-DNA positions 2456 to 2457, GC replaced by AA.
Protein change: p.Arg819Gln; replaces arginine 819 with glutamine.
Molecular consequence: missense variant.
Genome position (GRCh38, 1-based): chr11:66,704,819-66,704,820, GC replaced by TT on the plus strand (GC replaced by AA on the coding strand, the reverse complement: SPTBN2 is on the minus strand). VCF-style: chr11-66704819-GC-TT. GRCh37 (hg19) VCF-style: chr11-66472290-GC-TT.
Other names: c.2477_2478delinsAA, p.Arg826Gln (NM_001411025.1); short protein forms R826Q, R819Q.
Identifiers: ClinVar variation 3571933 (VCV003571933.1).
Genomic context (GRCh38, chr11:66,704,819, plus strand): 5'-GGCCTGCAGCTCCTCGTAGTGCCGCTCCAGGGTGGGCACCCGGCTCTGCACCTCGGGCGT[GC>TT]GGCTCAGTGTGGGGGGCAGGGCTGCTGCCTGTTCCCTCAAGGCGTCCAGGGTTGGCCGGT-3'
Protein context (NP_008877.2, residues 809-829): QAAALPPTLS[Arg819Gln]TPEVQSRVPT

ClinVar aggregate classification (germline): Uncertain significance (1 of 4 stars; one submission).

Submission:

Athena Diagnostics
Classification: Uncertain significance. Last evaluated: 2024-02-02. Review status: criteria provided, single submitter. Criteria: Athena Diagnostics Criteria. Collection method: clinical testing. Allele origin: unknown.
Comment: Available data are insufficient to determine the clinical significance of the variant at this time. The frequency of this variant in the general population is uninformative in assessment of its pathogenicity. Computational tools predict that this variant is not damaging.